The following is an entry in ClinVar:

ClinVar aggregate classification (germline): Uncertain significance (1 of 4 stars; one submission).

Conditions:
Hereditary cancer-predisposing syndrome. Also called: Neoplastic Syndromes, Hereditary; Tumor predisposition; Hereditary neoplastic syndrome; Hereditary Cancer Syndrome. Identifiers: Orphanet 140162, MedGen C0027672, MeSH D009386, MONDO:0015356.

Submission:

Ambry Genetics
Classification: Uncertain significance for Hereditary cancer-predisposing syndrome. Last evaluated: 2026-07-06. Review status: criteria provided, single submitter. Criteria: Ambry Variant Classification Scheme 2023. Collection method: clinical testing. Allele origin: germline.
Comment: The p.Y197F variant (also known as c.590A>T), located in coding exon 6 of the NBN gene, results from an A to T substitution at nucleotide position 590. The tyrosine at codon 197 is replaced by phenylalanine, an amino acid with highly similar properties. This amino acid position is conserved. In addition, this alteration is predicted to be tolerated by in silico analysis. Based on the available evidence, the clinical significance of this variant remains unclear.

NM_002485.5(NBN):c.590A>T (p.Tyr197Phe)

Gene: NBN (nibrin; minus strand). Cytogenetic location: 8q21.3.
Variant type: single nucleotide variant.
Coding change: c.590A>T on transcript NM_002485.5 (MANE Select); coding-DNA position 590, A replaced by T.
Protein change: p.Tyr197Phe; replaces tyrosine 197 with phenylalanine.
Molecular consequence: missense variant.
Genome position (GRCh38, 1-based): chr8:89,971,285, T>A on the plus strand (A>T on the coding strand, the complement: NBN is on the minus strand). VCF-style: chr8-89971285-T-A. GRCh37 (hg19) VCF-style: chr8-90983513-T-A.
Other names: c.344A>T, p.Tyr115Phe (NM_001024688.3, NM_001440379.1, NM_001440380.1); short protein forms Y197F, Y115F.
Identifiers: ClinVar variation 5025393 (VCV005025393.1).